The following is an entry in ClinVar:

ClinVar aggregate classification (germline): Likely benign (1 of 4 stars; one submission).

Submission:

CeGaT Center for Human Genetics Tuebingen
Classification: Likely benign. Last evaluated: 2026-04-01. Review status: criteria provided, single submitter. Criteria: CeGaT Center For Human Genetics Tuebingen Variant Classification Criteria Version 2. Collection method: clinical testing. Allele origin: germline. Affected: yes. Observed: 5 variant alleles.
Comment: CTBP1: BS1

NM_001012614.2(CTBP1):c.162+296_162+330del

Gene: CTBP1 (C-terminal binding protein 1; minus strand). Cytogenetic location: 4p16.3.
Variant type: Deletion.
Coding change: c.162+296_162+330del on transcript NM_001012614.2 (MANE Select); bases 296 to 330 of the intron after coding-DNA position 162, 35 bases deleted.
Molecular consequence: intron variant.
Genome position (GRCh38, 1-based): chr4:1,237,853-1,237,887, 35 bases deleted; deleting any 35 consecutive bases within chr4:1,237,853-1,237,907 gives the same sequence; the c. name uses the placement nearest the transcript's 3' end. GRCh37 (hg19): chr4:1,231,661-1,231,695.
Other names: c.162+296_162+330del (NM_001377192.1, NM_001377189.1, NM_001377193.1 and 4 more transcripts); c.195+296_195+330del (NM_001328.3, NM_001377186.1).
Identifiers: ClinVar variation 2672984 (VCV002672984.23), dbSNP rs1457259493, ClinGen allele CA549265623.